The following is an entry in ClinVar:

NM_198576.4(AGRN):c.3737G>A (p.Arg1246Gln)

Gene: AGRN (agrin; plus strand). Cytogenetic location: 1p36.33.
Variant type: single nucleotide variant.
Coding change: c.3737G>A on transcript NM_198576.4 (MANE Select); coding-DNA position 3737, G replaced by A.
Protein change: p.Arg1246Gln; replaces arginine 1246 with glutamine.
Molecular consequence: missense variant.
Genome position (GRCh38, 1-based): chr1:1,047,881, G>A. VCF-style: chr1-1047881-G-A. GRCh37 (hg19) VCF-style: chr1-983261-G-A.
Other names: c.3737G>A, p.Arg1246Gln (NM_001305275.2); c.3422G>A, p.Arg1141Gln (NM_001364727.2); short protein forms R1141Q, R1246Q.
Identifiers: ClinVar variation 658803 (VCV000658803.9), dbSNP rs1047444673, ClinGen allele CA16760000.
Genomic context (GRCh38, chr1:1,047,881, plus strand): 5'-AGATCCAGGTGTCCAGGCGCCGGTCCTTGGGGGTGAGGCGGCCGCTGCAGGAGCACGTGC[G>A]ATTTATGGACTTTGGTGAGCGCCAGGCCACGAGCCACAGCTTACCTGCCCCCTCCTCTGC-3'
Protein context (NP_940978.2, residues 1236-1256): GVRRPLQEHV[Arg1246Gln]FMDFDWFPAF

ClinVar aggregate classification (germline): Uncertain significance. Review status: criteria provided, multiple submitters, no conflicts (2 of 4 stars). 2 submissions from 2 submitters: Uncertain significance (2). Last evaluated 2024-01-22.

Conditions:
Congenital myasthenic syndrome 8. Also called: Myasthenic syndrome, congenital, 8, with pre- and postsynaptic defects; MYASTHENIC SYNDROME, CONGENITAL, DUE TO AGRIN DEFICIENCY. Identifiers: Orphanet 590, MedGen C3808739, MONDO:0014052, OMIM 615120.

Allele frequency attached by ClinVar (database versions not stated): gnomAD 0.00001; gnomAD exomes 0.00001; TOPMed 0.00002.

Submissions (2):

Labcorp Genetics (formerly Invitae), Labcorp
Classification: Uncertain significance for Congenital myasthenic syndrome 8. Last evaluated: 2024-01-22. Review status: criteria provided, single submitter. Criteria: Invitae Variant Classification Sherloc (09022015). Collection method: clinical testing. Allele origin: germline.
Comment: This sequence change replaces arginine, which is basic and polar, with glutamine, which is neutral and polar, at codon 1246 of the AGRN protein (p.Arg1246Gln). This variant is not present in population databases (gnomAD no frequency). This variant has not been reported in the literature in individuals affected with AGRN-related conditions. ClinVar contains an entry for this variant (Variation ID: 658803). An algorithm developed to predict the effect of missense changes on protein structure and function (PolyPhen-2) suggests that this variant is likely to be tolerated. In summary, the available evidence is currently insufficient to determine the role of this variant in disease. Therefore, it has been classified as a Variant of Uncertain Significance.

Breakthrough Genomics
Classification: Uncertain significance. Review status: criteria provided, single submitter. Criteria: ACMG Guidelines, 2015. Collection method: not provided. Allele origin: germline. Inheritance: Autosomal recessive inheritance. Affected: yes.